The following is an entry in ClinVar:

NM_002471.4(MYH6):c.252C>A (p.Phe84Leu)

Genes: MYH6 (myosin heavy chain 6; minus strand), LOC114827851 (VISTA enhancer hs2155; plus strand). Cytogenetic location: 14q11.2.
Variant type: single nucleotide variant.
Coding change: c.252C>A on transcript NM_002471.4 (MANE Select); coding-DNA position 252, C replaced by A.
Protein change: p.Phe84Leu; replaces phenylalanine 84 with leucine.
Molecular consequence: missense variant.
Genome position (GRCh38, 1-based): chr14:23,405,720, G>T on the plus strand (C>A on the coding strand, the complement: MYH6 is on the minus strand). VCF-style: chr14-23405720-G-T. GRCh37 (hg19) VCF-style: chr14-23874929-G-T.
Other names: short protein forms F84L.
Identifiers: ClinVar variation 1792646 (VCV001792646.2), dbSNP rs397516757, ClinGen allele CA389031728.

ClinVar aggregate classification (germline): Uncertain significance (1 of 4 stars; one submission).

Conditions:
Cardiovascular phenotype. Identifiers: MedGen CN230736.

gnomAD v4.1: 1 of 1,614,126 alleles (0.000062%); highest among the groups gnomAD compares: Non-Finnish European, 0.000085%; no homozygotes.

Submission:

Ambry Genetics
Classification: Uncertain significance for Cardiovascular phenotype. Last evaluated: 2020-01-30. Review status: criteria provided, single submitter. Criteria: Ambry Variant Classification Scheme 2023. Collection method: clinical testing. Allele origin: germline.
Comment: The p.F84L variant (also known as c.252C>A), located in coding exon 2 of the MYH6 gene, results from a C to A substitution at nucleotide position 252. The phenylalanine at codon 84 is replaced by leucine, an amino acid with highly similar properties. This amino acid position is well conserved in available vertebrate species. In addition, this alteration is predicted to be tolerated by in silico analysis. Since supporting evidence is limited at this time, the clinical significance of this alteration remains unclear.